The following is an entry in ClinVar:

ClinVar aggregate classification (germline): Uncertain significance (1 of 4 stars; one submission).

Submission:

GeneDx
Classification: Uncertain significance. Last evaluated: 2024-11-25. Review status: criteria provided, single submitter. Criteria: GeneDx Variant Classification Process June 2021. Collection method: clinical testing. Allele origin: germline. Affected: yes.
Comment: Not observed at significant frequency in large population cohorts (gnomAD); In silico analysis supports that this missense variant has a deleterious effect on protein structure/function; Has not been previously published as pathogenic or benign to our knowledge

NM_138615.3(DHX30):c.2551G>A (p.Ala851Thr)

Gene: DHX30 (DExH-box helicase 30; plus strand). Cytogenetic location: 3p21.31.
Variant type: single nucleotide variant.
Coding change: c.2551G>A on transcript NM_138615.3 (MANE Select); coding-DNA position 2551, G replaced by A.
Protein change: p.Ala851Thr; replaces alanine 851 with threonine.
Molecular consequence: missense variant.
Genome position (GRCh38, 1-based): chr3:47,848,526, G>A. VCF-style: chr3-47848526-G-A. GRCh37 (hg19) VCF-style: chr3-47890016-G-A.
Other names: c.2467G>A, p.Ala823Thr (NM_001330990.2); c.2434G>A, p.Ala812Thr (NM_014966.4); short protein forms A812T, A823T, A851T.
Identifiers: ClinVar variation 3900098 (VCV003900098.1).
Genomic context (GRCh38, chr3:47,848,526, plus strand): 5'-TAGGCGGTGGAGTTCCTGTCCAAGGCTGTGGACAGTCCAAACATCAAGGCAGTGGACGAG[G>A]CTGTGATCTTGCTCCAGGAGATCGGTATGTAGGGGCTGGGCTGGGCTGGGCTGGGGAGTG-3'
Protein context (NP_619520.1, residues 841-861): DSPNIKAVDE[Ala851Thr]VILLQEIGVL